The following is an entry in ClinVar:

NM_001001433.3(STX16):c.*2060T>C

Genes: STX16 (syntaxin 16; plus strand), STX16-NPEPL1 (STX16-NPEPL1 readthrough (NMD candidate); plus strand). Cytogenetic location: 20q13.32.
Variant type: single nucleotide variant.
Coding change: c.*2060T>C on transcript NM_001001433.3 (MANE Select); 2060 bases downstream of the stop codon, T replaced by C.
Molecular consequence: 3 prime UTR variant. On other transcripts: non-coding transcript variant (3).
Genome position (GRCh38, 1-based): chr20:58,678,351, T>C. VCF-style: chr20-58678351-T-C. GRCh37 (hg19) VCF-style: chr20-57253407-T-C.
Other names: c.*2060T>C (NM_001134772.3, NM_001134773.3, NM_001204868.2 and 1 more transcripts).
Identifiers: ClinVar variation 339090 (VCV000339090.5), dbSNP rs115404291, ClinGen allele CA10652720.
Genomic context (GRCh38, chr20:58,678,351, plus strand): 5'-AGGGTGATGAGGGTTGGTTTTTGTTCCCTCAACCCATTTGGGTAAAATAACGGATCTGAT[T>C]AGAAACTGTTTTAAGGAGGGGCTGGGCTCGGTGGCTCACGCCTGTAATCCCAGACTTTGA-3'

ClinVar aggregate classification (germline): Benign (1 of 4 stars; one submission).

Conditions:
Pseudohypoparathyroidism type 1B (PHP1B). Also called: PHP IB; Pseudohypoparathyroidism Ib (PHP-Ib); Pseudohypoparathyroidism Type IB. Identifiers: Orphanet 94089, MedGen C1864100, MONDO:0011301, OMIM 603233.

Allele frequency attached by ClinVar (database versions not stated): gnomAD 0.02300 and 0.02468; TOPMed 0.02540; 1000 Genomes Project 0.02616; 1000 Genomes Project 30x 0.02701.

Submission:

Illumina Laboratory Services, Illumina
Classification: Benign for Pseudohypoparathyroidism type 1B. Last evaluated: 2018-01-13. Review status: criteria provided, single submitter. Criteria: ICSL Variant Classification Criteria 13 December 2019. Collection method: clinical testing. Allele origin: germline.
Comment: This variant was observed in the ICSL laboratory as part of a predisposition screen in an ostensibly healthy population. It had not been previously curated by ICSL or reported in the Human Gene Mutation Database (HGMD: prior to June 1st, 2018), and was therefore a candidate for classification through an automated scoring system. Utilizing variant allele frequency, disease prevalence and penetrance estimates, and inheritance mode, an automated score was calculated to assess if this variant is too frequent to cause the disease. Based on the score and internal cut-off values, a variant classified as benign is not then subjected to further curation. The score for this variant resulted in a classification of benign for this disease.